The following is an entry in ClinVar:

ClinVar aggregate classification (germline): Benign. Review status: criteria provided, multiple submitters, no conflicts (2 of 4 stars). 2 submissions from 2 submitters: Benign (2). Last evaluated 2026-01-21.

Allele frequency attached by ClinVar (database versions not stated): 1000 Genomes Project 30x 0.26468; gnomAD exomes 0.11398; ExAC 0.15664; gnomAD 0.22814; ESP Exome Variant Server 0.24604; TOPMed 0.24941; 1000 Genomes Project 0.25659.
gnomAD v4.1: 202,639 of 1,614,044 alleles (13%); highest among the groups gnomAD compares: African/African-American, 53%; 20,078 homozygotes.

Submissions (2):

Women's Health and Genetics/Laboratory Corporation of America, LabCorp
Classification: Benign. Last evaluated: 2026-01-21. Review status: criteria provided, single submitter. Criteria: LabCorp Variant Classification Summary - May 2015. Collection method: clinical testing. Allele origin: germline.

Unidad de Genómica Garrahan, Hospital de Pediatría Garrahan
Classification: Benign. Last evaluated: 2024-01-24. Review status: criteria provided, single submitter. Criteria: ACMG Guidelines, 2015. Collection method: clinical testing. Allele origin: germline. Affected: no. Observed: 24 variant alleles.
Comment: This variant is classified as Benign based on local population frequency. This variant was detected in 25% of patients studied by a panel of primary immunodeficiencies. Number of patients: 24. Only high quality variants are reported.

NM_016128.4(COPG1):c.663T>C (p.His221=)

Gene: COPG1 (coat protein complex I subunit gamma 1; plus strand). Cytogenetic location: 3q21.3.
Variant type: single nucleotide variant.
Coding change: c.663T>C on transcript NM_016128.4 (MANE Select); coding-DNA position 663, T replaced by C.
Protein change: p.His221=; no amino-acid change (histidine 221 retained).
Molecular consequence: synonymous variant.
Genome position (GRCh38, 1-based): chr3:129,257,553, T>C. VCF-style: chr3-129257553-T-C. GRCh37 (hg19) VCF-style: chr3-128976396-T-C.
Identifiers: ClinVar variation 2688301 (VCV002688301.3), dbSNP rs4927910, ClinGen allele CA2603641.